The following is an entry in ClinVar:

NM_001374828.1(ARID1B):c.2761+7C>T

Gene: ARID1B (AT-rich interaction domain 1B; plus strand). Cytogenetic location: 6q25.3.
Variant type: single nucleotide variant.
Coding change: c.2761+7C>T on transcript NM_001374828.1 (MANE Select); 7 bases into the intron after coding-DNA position 2761, C replaced by T.
Molecular consequence: intron variant.
Genome position (GRCh38, 1-based): chr6:157,133,214, C>T. VCF-style: chr6-157133214-C-T. GRCh37 (hg19) VCF-style: chr6-157454348-C-T.
Other names: c.2800+7C>T (NM_001371656.1, NM_001374820.1); c.2761+7C>T (NM_017519.3); c.262+7C>T (NM_001363725.2); c.2551+7C>T (NM_020732.3).
Identifiers: ClinVar variation 3030681 (VCV003030681.2), dbSNP rs2128586054, ClinGen allele CA2680920139.

ClinVar aggregate classification (germline): Likely benign (0 of 4 stars; one submission).

Conditions:
ARID1B-Related Disorder. Identifiers: MedGen CN381337.

Allele frequency attached by ClinVar (database versions not stated): gnomAD exomes below 0.00001.
gnomAD v4.1: 2 of 1,577,072 alleles (0.00013%); highest among the groups gnomAD compares: Non-Finnish European, 0.00017%; no homozygotes.

Submission:

PreventionGenetics, part of Exact Sciences
Classification: Likely benign for ARID1B-related condition. Last evaluated: 2022-01-26. Review status: no assertion criteria provided. Collection method: clinical testing. Allele origin: germline.
Comment: This variant is classified as likely benign based on ACMG/AMP sequence variant interpretation guidelines (Richards et al. 2015 PMID: 25741868, with internal and published modifications).